The following is an entry in ClinVar:

NM_001940.4(ATN1):c.1106C>T (p.Pro369Leu)

Gene: ATN1 (atrophin 1; plus strand). Cytogenetic location: 12p13.31.
Variant type: single nucleotide variant.
Coding change: c.1106C>T on transcript NM_001940.4 (MANE Select); coding-DNA position 1106, C replaced by T.
Protein change: p.Pro369Leu; replaces proline 369 with leucine.
Molecular consequence: missense variant.
Genome position (GRCh38, 1-based): chr12:6,936,373, C>T. VCF-style: chr12-6936373-C-T. GRCh37 (hg19) VCF-style: chr12-7045536-C-T.
Other names: c.1106C>T, p.Pro369Leu (NM_001007026.2); short protein forms P369L.
Identifiers: ClinVar variation 1722931 (VCV001722931.2), dbSNP rs2542621926, ClinGen allele CA383723581.

ClinVar aggregate classification (germline): Uncertain significance (1 of 4 stars; one submission).

gnomAD v4.1: 1 of 1,613,914 alleles (0.000062%); highest among the groups gnomAD compares: South Asian, 0.0011%; no homozygotes.

Submission:

GeneDx
Classification: Uncertain significance. Last evaluated: 2022-05-04. Review status: criteria provided, single submitter. Criteria: GeneDx Variant Classification Process June 2021. Collection method: clinical testing. Allele origin: germline. Affected: yes.
Comment: Not observed at significant frequency in large population cohorts (gnomAD); In silico analysis supports that this missense variant has a deleterious effect on protein structure/function; Has not been previously published as pathogenic or benign to our knowledge